The following is an entry in ClinVar:

NM_001164508.2(NEB):c.22711A>T (p.Lys7571Ter)

Genes: NEB (nebulin; minus strand), RIF1 (replication timing regulatory factor 1; plus strand). Cytogenetic location: 2q23.3.
Variant type: single nucleotide variant.
Coding change: c.22711A>T on transcript NM_001164508.2 (MANE Select); coding-DNA position 22711, A replaced by T.
Protein change: p.Lys7571Ter; replaces lysine 7571 with a stop codon.
Molecular consequence: nonsense.
Genome position (GRCh38, 1-based): chr2:151,518,407, T>A on the plus strand (A>T on the coding strand, the complement: NEB is on the minus strand). VCF-style: chr2-151518407-T-A. GRCh37 (hg19) VCF-style: chr2-152374921-T-A.
Other names: c.22711A>T, p.Lys7571Ter (NM_001164507.2); c.22816A>T, p.Lys7606Ter (NM_001271208.2); c.17608A>T, p.Lys5870Ter (NM_004543.5); short protein forms K5870*, K7606*, K7571*.
Identifiers: ClinVar variation 2881216 (VCV002881216.4), dbSNP rs748990736, ClinGen allele CA1906552.

ClinVar aggregate classification (germline): Pathogenic/Likely pathogenic. Review status: criteria provided, multiple submitters, no conflicts (2 of 4 stars). 2 submissions from 2 submitters: Pathogenic (1); Likely pathogenic (1). Last evaluated 2025-09-19.

Conditions:
Nemaline myopathy 2 (NEM2). Also called: Nemaline myopathy 2, autosomal recessive. Identifiers: MedGen C1850569, MONDO:0009725, OMIM 256030.
Arthrogryposis multiplex congenita 6. Identifiers: MedGen C5543431, MONDO:0030281, OMIM 619334.

Allele frequency attached by ClinVar (database versions not stated): gnomAD exomes below 0.00001; ExAC 0.00001.
gnomAD v4.1: 4 of 1,606,624 alleles (0.00025%); highest among the groups gnomAD compares: South Asian, 0.0011%; no homozygotes.

Submissions (2):

Labcorp Genetics (formerly Invitae), Labcorp
Classification: Pathogenic for Nemaline myopathy 2. Last evaluated: 2025-09-19. Review status: criteria provided, single submitter. Criteria: Invitae Variant Classification Sherloc (09022015). Collection method: clinical testing. Allele origin: germline.
Comment: This sequence change creates a premature translational stop signal (p.Lys7606*) in the NEB gene. It is expected to result in an absent or disrupted protein product. Loss-of-function variants in NEB are known to be pathogenic (PMID: 25205138). This variant is present in population databases (rs748990736, gnomAD 0.0009%). This variant has not been reported in the literature in individuals affected with NEB-related conditions. ClinVar contains an entry for this variant (Variation ID: 2881216). Algorithms developed to predict the effect of sequence changes on RNA splicing suggest that this variant may disrupt the consensus splice site. For these reasons, this variant has been classified as Pathogenic.

Fulgent Genetics
Classification: Likely pathogenic for Nemaline myopathy 2; Arthrogryposis multiplex congenita 6. Last evaluated: 2024-03-06. Review status: criteria provided, single submitter. Criteria: ACMG Guidelines, 2015. Collection method: clinical testing. Allele origin: germline.

Literature cited by the submitters: PubMed 25205138 (cited by Labcorp Genetics (formerly Invitae), Labcorp).